The following is an entry in ClinVar:

ClinVar aggregate classification (germline): Pathogenic (1 of 4 stars; one submission).

Conditions:
Bosch-Boonstra-Schaaf optic atrophy syndrome (BBSOAS). Also called: NR2F1-Related Neurodevelopmental Disorder. Identifiers: Orphanet 401777, MedGen C3810363, MONDO:0014320, OMIM 615722.

Submission:

Mendelics
Classification: Pathogenic for Bosch-Boonstra-Schaaf optic atrophy syndrome. Last evaluated: 2026-03-05. Review status: criteria provided, single submitter. Criteria: ACMG Guidelines, 2015. Collection method: clinical testing. Allele origin: unknown.
Comment: Likely pathogenic/Pathogenic according to ACMG criteria.

NM_005654.6(NR2F1):c.1036_1038del (p.Glu346del)

Gene: NR2F1 (nuclear receptor subfamily 2 group F member 1; plus strand). Cytogenetic location: 5q15.
Variant type: Deletion.
Coding change: c.1036_1038del on transcript NM_005654.6 (MANE Select); coding-DNA positions 1036 to 1038, 3 bases deleted (GAG; older notation c.1036_1038delGAG).
Protein change: p.Glu346del; deletes glutamic acid 346.
Molecular consequence: inframe deletion.
Genome position (GRCh38, 1-based): chr5:93,593,606-93,593,608, GAG deleted; deleting any 3 consecutive bases within chr5:93,593,604-93,593,608 gives the same sequence; the c. name uses the placement nearest the transcript's 3' end. VCF-style (leftmost placement, unchanged base first): chr5-93593603-CAGG-C. GRCh37 (hg19) VCF-style: chr5-92929309-CAGG-C.
Other names: c.586_588del, p.Glu196del (NM_001410754.1); short protein forms E196del, E346del.
Identifiers: ClinVar variation 4813542 (VCV004813542.1).
Genomic context (GRCh38, chr5:93,593,603, plus strand): 5'-CCTGTGGCTGCTTGGGCAGACGCCTGTGGCCTGTCGGATGCGGCCCACATCGAGAGCCTG[CAGG>C]AGAAGTCGCAGTGCGCACTGGAGGAGTACGTGAGGAGCCAGTACCCCAACCAGCCCAGCC-3'